The following is an entry in ClinVar:

NM_004370.6(COL12A1):c.4118T>G (p.Ile1373Ser)

Gene: COL12A1 (collagen type XII alpha 1 chain; minus strand). Cytogenetic location: 6q13.
Variant type: single nucleotide variant.
Coding change: c.4118T>G on transcript NM_004370.6 (MANE Select); coding-DNA position 4118, T replaced by G.
Protein change: p.Ile1373Ser; replaces isoleucine 1373 with serine.
Molecular consequence: missense variant.
Genome position (GRCh38, 1-based): chr6:75,151,170, A>C on the plus strand (T>G on the coding strand, the complement: COL12A1 is on the minus strand). VCF-style: chr6-75151170-A-C. GRCh37 (hg19) VCF-style: chr6-75860886-A-C.
Other names: c.626T>G, p.Ile209Ser (NM_080645.3); short protein forms I1373S, I209S.
Identifiers: ClinVar variation 1484786 (VCV001484786.8), dbSNP rs1268978531, ClinGen allele CA364746964.
Genomic context (GRCh38, chr6:75,151,170, plus strand): 5'-CTGAGGGAGAGAAACTCTGGGTTAAACTTACCTGGACCTTTGACACTGTTACACAAATTA[A>C]TGGTGAGATCATCCACTATCCTGGAGAGTGACTCAAAATCTGCCACATTGTATGCATGGG-3'
Protein context (NP_004361.3, residues 1363-1383): SLSRIVDDLT[Ile1373Ser]NLCNSVKGPG

ClinVar aggregate classification (germline): Uncertain significance. Review status: criteria provided, multiple submitters, no conflicts (2 of 4 stars). 3 submissions from 3 submitters: Uncertain significance (3). Last evaluated 2026-05-18.

Conditions:
Ullrich congenital muscular dystrophy 2 (UCMD2). Identifiers: Orphanet 75840, MedGen C4225314, MONDO:0014654, OMIM 616470.
Bethlem myopathy 2 (BTHLM2). Identifiers: Orphanet 536516, Orphanet 610, MedGen C4225313, MONDO:0034022, OMIM 616471.

Allele frequency attached by ClinVar (database versions not stated): gnomAD exomes below 0.00001 and 0.00001; TOPMed 0.00001.
gnomAD v4.1: 6 of 1,612,378 alleles (0.00037%); highest among the groups gnomAD compares: Non-Finnish European, 0.00034%; no homozygotes.

Submissions (3):

Women's Health and Genetics/Laboratory Corporation of America, LabCorp
Classification: Uncertain significance. Last evaluated: 2026-05-18. Review status: criteria provided, single submitter. Criteria: LabCorp Variant Classification Summary - May 2015. Collection method: clinical testing. Allele origin: germline.
Comment: Variant summary: COL12A1 c.4118T>G (p.Ile1373Ser) results in a non-conservative amino acid change in the encoded protein sequence. Algorithms developed to predict the effect of missense changes on protein structure and function are either unavailable or do not agree on the potential impact of this missense change. The variant allele was found at a frequency of 4e-06 in 248992 control chromosomes. The available data on variant occurrences in the general population are insufficient to allow any conclusion about variant significance. To our knowledge, no occurrence of c.4118T>G in individuals affected with COL12A1-related conditions and no experimental evidence demonstrating its impact on protein function have been reported. ClinVar contains an entry for this variant (Variation ID: 1484786). Based on the evidence outlined above, the variant was classified as uncertain significance.

Labcorp Genetics (formerly Invitae), Labcorp
Classification: Uncertain significance for Bethlem myopathy 2; Ullrich congenital muscular dystrophy 2. Last evaluated: 2025-08-18. Review status: criteria provided, single submitter. Criteria: Invitae Variant Classification Sherloc (09022015). Collection method: clinical testing. Allele origin: germline.
Comment: This sequence change replaces isoleucine, which is neutral and non-polar, with serine, which is neutral and polar, at codon 1373 of the COL12A1 protein (p.Ile1373Ser). This variant is present in population databases (no rsID available, gnomAD 0.0009%). This variant has not been reported in the literature in individuals affected with COL12A1-related conditions. ClinVar contains an entry for this variant (Variation ID: 1484786). Invitae Evidence Modeling of protein sequence and biophysical properties (such as structural, functional, and spatial information, amino acid conservation, physicochemical variation, residue mobility, and thermodynamic stability) indicates that this missense variant is not expected to disrupt COL12A1 protein function with a negative predictive value of 80%. In summary, the available evidence is currently insufficient to determine the role of this variant in disease. Therefore, it has been classified as a Variant of Uncertain Significance.

Revvity Omics, Revvity
Classification: Uncertain significance. Last evaluated: 2024-05-02. Review status: criteria provided, single submitter. Criteria: ACMG Guidelines, 2015. Collection method: clinical testing. Allele origin: germline.